The following is an entry in ClinVar:

NM_001035.3(RYR2):c.2446C>T (p.Pro816Ser)

Gene: RYR2 (ryanodine receptor 2; plus strand). Cytogenetic location: 1q43.
Variant type: single nucleotide variant.
Coding change: c.2446C>T on transcript NM_001035.3 (MANE Select); coding-DNA position 2446, C replaced by T.
Protein change: p.Pro816Ser; replaces proline 816 with serine.
Molecular consequence: missense variant.
Genome position (GRCh38, 1-based): chr1:237,503,338, C>T. VCF-style: chr1-237503338-C-T. GRCh37 (hg19) VCF-style: chr1-237666638-C-T.
Other names: short protein forms P816S.
Identifiers: ClinVar variation 2774266 (VCV002774266.3), dbSNP rs2545890308, ClinGen allele CA345378792.
Genomic context (GRCh38, chr1:237,503,338, plus strand): 5'-ATCCTCTTTAGAGTACGCTTTCTGCTTGGAGGGCGACATGGAGAATTCAAATTTCTTCCT[C>T]CACCTGGGTATGCTCCTTGTTATGAAGCTGTTCTGCCAAAAGAAAAGTTGAAAGTGGAAC-3'
Protein context (NP_001026.2, residues 806-826): GRHGEFKFLP[Pro816Ser]PGYAPCYEAV

ClinVar aggregate classification (germline): Uncertain significance. Review status: criteria provided, multiple submitters, no conflicts (2 of 4 stars). 2 submissions from 2 submitters: Uncertain significance (2). Last evaluated 2023-08-15.

Conditions:
Cardiomyopathy (CMYO). Also called: Cardiomyopathies. Identifiers: Orphanet 167848, MedGen C0878544, MONDO:0004994, HP:0001638. Inheritance: Various modes of inheritance.
Catecholaminergic polymorphic ventricular tachycardia (CVPT). Also called: Catecholamine-induced polymorphic ventricular tachycardia. Identifiers: Orphanet 3286, MedGen C5574922, MONDO:0017990.

Allele frequency attached by ClinVar (database versions not stated): gnomAD exomes below 0.00001.
gnomAD v4.1: 1 of 1,613,810 alleles (0.000062%); highest among the groups gnomAD compares: Non-Finnish European, 0.000085%; no homozygotes.

Submissions (2):

All of Us Research Program, National Institutes of Health
Classification: Uncertain significance for Catecholaminergic polymorphic ventricular tachycardia. Last evaluated: 2023-08-15. Review status: criteria provided, single submitter. Criteria: ACMG Guidelines, 2015. Collection method: clinical testing. Allele origin: germline. Inheritance: Autosomal dominant inheritance. Observed: 1 variant allele, 1 heterozygote.
Comment: This missense variant replaces proline with serine at codon 816 of the RYR2 protein. Computational prediction suggests that this variant may not impact protein structure and function (internally defined REVEL score threshold <= 0.5, PMID: 27666373). To our knowledge, functional studies have not been reported for this variant. This variant has not been reported in individuals affected with RYR2-related disorders in the literature. This variant has not been identified in the general population by the Genome Aggregation Database (gnomAD). The available evidence is insufficient to determine the role of this variant in disease conclusively. Therefore, this variant is classified as a Variant of Uncertain Significance.

This study involves interpretation of variants in research participants for the purpose of population health screening. Participant phenotype was not available at the time of variant classification. Additional details can be found in publication PMID: 35346344, PMCID: PMC8962531

Color Diagnostics, LLC DBA Color Health
Classification: Uncertain significance for Cardiomyopathy. Last evaluated: 2023-06-14. Review status: criteria provided, single submitter. Criteria: ACMG Guidelines, 2015. Collection method: clinical testing. Allele origin: germline.
Comment: This missense variant replaces proline with serine at codon 816 of the RYR2 protein. Computational prediction suggests that this variant may not impact protein structure and function (internally defined REVEL score threshold <= 0.5, PMID: 27666373). To our knowledge, functional studies have not been reported for this variant. This variant has not been reported in individuals affected with RYR2-related disorders in the literature. This variant has not been identified in the general population by the Genome Aggregation Database (gnomAD). The available evidence is insufficient to determine the role of this variant in disease conclusively. Therefore, this variant is classified as a Variant of Uncertain Significance.